The following is an entry in ClinVar:

NM_000023.4(SGCA):c.724G>A (p.Val242Ile)

Gene: SGCA (sarcoglycan alpha; plus strand). Cytogenetic location: 17q21.33.
Variant type: single nucleotide variant.
Coding change: c.724G>A on transcript NM_000023.4 (MANE Select); coding-DNA position 724, G replaced by A.
Protein change: p.Val242Ile; replaces valine 242 with isoleucine.
Molecular consequence: missense variant. On other transcripts: non-coding transcript variant (1), intron variant (1).
Genome position (GRCh38, 1-based): chr17:50,169,231, G>A. VCF-style: chr17-50169231-G-A. GRCh37 (hg19) VCF-style: chr17-48246592-G-A.
Other names: c.584+659G>A (NM_001135697.3); short protein forms V242I.
Identifiers: ClinVar variation 497383 (VCV000497383.15), dbSNP rs200166783, ClinGen allele CA8643868.
Genomic context (GRCh38, chr17:50,169,231, plus strand): 5'-TGTGCCCAGGGCCAGCCTCCACTTCTGTCTTGCTACGACACCTTGGCACCCCACTTCCGC[G>A]TTGACTGGTGCAATGTGACCCTGGTGAGGAGGGACCCTGGGTCCGGGGGTGGGGTGGGGC-3'
Protein context (NP_000014.1, residues 232-252): CYDTLAPHFR[Val242Ile]DWCNVTLVDK

ClinVar aggregate classification (germline): Uncertain significance. Review status: criteria provided, multiple submitters, no conflicts (2 of 4 stars). 5 submissions from 5 submitters: Uncertain significance (4). 1 of the submissions does not count toward it. Last evaluated 2024-06-18.

Conditions:
Autosomal recessive limb-girdle muscular dystrophy type 2D (LGMDR3). Also called: MUSCULAR DYSTROPHY, LIMB-GIRDLE, AUTOSOMAL RECESSIVE 3; ADHALINOPATHY, PRIMARY; DUCHENNE-LIKE AUTOSOMAL RECESSIVE MUSCULAR DYSTROPHY, TYPE 2. Identifiers: Orphanet 62, MedGen C2936332, MONDO:0011968, OMIM 608099. Disease mechanism: Affects gamma-sarcoglycan and also disrupts the integrity of the entire sarcoglycan complex..

Allele frequency attached by ClinVar (database versions not stated): ExAC 0.00002; gnomAD 0.00002; TOPMed 0.00004; ESP Exome Variant Server 0.00015.
gnomAD v4.1: 56 of 1,613,698 alleles (0.0035%); highest among the groups gnomAD compares: Non-Finnish European, 0.0044%; no homozygotes.

Submissions (5):

Revvity Omics, Revvity
Classification: Uncertain significance for Autosomal recessive limb-girdle muscular dystrophy type 2D. Last evaluated: 2024-06-18. Review status: criteria provided, single submitter. Criteria: ACMG Guidelines, 2015. Collection method: clinical testing. Allele origin: germline.

Genome-Nilou Lab
Classification: Uncertain significance for Autosomal recessive limb-girdle muscular dystrophy type 2D. Last evaluated: 2023-02-08. Review status: criteria provided, single submitter. Criteria: ACMG Guidelines, 2015. Collection method: clinical testing. Allele origin: germline.

Labcorp Genetics (formerly Invitae), Labcorp
Classification: Uncertain significance for Autosomal recessive limb-girdle muscular dystrophy type 2D. Last evaluated: 2022-06-09. Review status: criteria provided, single submitter. Criteria: Invitae Variant Classification Sherloc (09022015). Collection method: clinical testing. Allele origin: germline.
Comment: This sequence change replaces valine, which is neutral and non-polar, with isoleucine, which is neutral and non-polar, at codon 242 of the SGCA protein (p.Val242Ile). This variant is present in population databases (rs200166783, gnomAD 0.004%). This variant has not been reported in the literature in individuals affected with SGCA-related conditions. ClinVar contains an entry for this variant (Variation ID: 497383). Advanced modeling of protein sequence and biophysical properties (such as structural, functional, and spatial information, amino acid conservation, physicochemical variation, residue mobility, and thermodynamic stability) performed at Invitae indicates that this missense variant is not expected to disrupt SGCA protein function. This variant disrupts the p.Val242 amino acid residue in SGCA. Other variant(s) that disrupt this residue have been determined to be pathogenic (PMID: 10842281, 12566530). This suggests that this residue is clinically significant, and that variants that disrupt this residue are likely to be disease-causing. In summary, the available evidence is currently insufficient to determine the role of this variant in disease. Therefore, it has been classified as a Variant of Uncertain Significance.

Eurofins Ntd Llc (ga)
Classification: Uncertain significance. Last evaluated: 2016-11-30. Review status: criteria provided, single submitter. Criteria: EGL Classification Definitions 2015. Collection method: clinical testing. Allele origin: germline. Observed: 1 variant allele, 1 heterozygote.

Natera, Inc.
Classification: Uncertain significance for Limb-girdle muscular dystrophy type 2D. Last evaluated: 2020-09-16. Review status: no assertion criteria provided. Collection method: clinical testing. Allele origin: germline. Not counted in ClinVar's aggregate classification.

Literature cited by the submitters: PubMed 10842281 (cited by Labcorp Genetics (formerly Invitae), Labcorp); PubMed 12566530 (cited by Labcorp Genetics (formerly Invitae), Labcorp).